The following is an entry in ClinVar:

ClinVar aggregate classification (germline): Likely benign (1 of 4 stars; one submission).

Conditions:
NOTCH2-related disorder. Also called: NOTCH2-related condition.

gnomAD v4.1: 2 of 1,614,172 alleles (0.00012%); highest among the groups gnomAD compares: South Asian, 0.0022%; no homozygotes.

Submission:

PreventionGenetics, part of Exact Sciences
Classification: Likely benign for NOTCH2-related condition. Last evaluated: 2025-12-04. Review status: criteria provided, single submitter. Criteria: ACMG Guidelines, 2015. Collection method: clinical testing. Allele origin: germline.
Comment: This variant is classified as likely benign based on ACMG/AMP sequence variant interpretation guidelines (Richards et al. 2015 PMID: 25741868, with internal and published modifications).

NM_024408.4(NOTCH2):c.6099T>C (p.Phe2033=)

Gene: NOTCH2 (notch receptor 2; minus strand). Cytogenetic location: 1p12.
Variant type: single nucleotide variant.
Coding change: c.6099T>C on transcript NM_024408.4 (MANE Select); coding-DNA position 6099, T replaced by C.
Protein change: p.Phe2033=; no amino-acid change (phenylalanine 2033 retained).
Molecular consequence: synonymous variant.
Genome position (GRCh38, 1-based): chr1:119,916,623, A>G on the plus strand (T>C on the coding strand, the complement: NOTCH2 is on the minus strand). VCF-style: chr1-119916623-A-G. GRCh37 (hg19) VCF-style: chr1-120459246-A-G.
Identifiers: ClinVar variation 4993320 (VCV004993320.1).